The following is an entry in ClinVar:

ClinVar aggregate classification (germline): Uncertain significance (1 of 4 stars; one submission).

Submission:

Ambry Genetics
Classification: Uncertain significance. Last evaluated: 2023-02-25. Review status: criteria provided, single submitter. Criteria: Ambry Variant Classification Scheme 2023. Collection method: clinical testing. Allele origin: germline.
Comment: The p.S2883R variant (also known as c.8649C>G), located in coding exon 63 of the PRKDC gene, results from a C to G substitution at nucleotide position 8649. The serine at codon 2883 is replaced by arginine, an amino acid with dissimilar properties. This amino acid position is conserved. In addition, the in silico prediction for this alteration is inconclusive. Since supporting evidence is limited at this time, the clinical significance of this alteration remains unclear.

NM_006904.7(PRKDC):c.8649C>G (p.Ser2883Arg)

Genes: PRKDC (protein kinase, DNA-activated, catalytic subunit; minus strand), LOC121740717 (Sharpr-MPRA regulatory region 7649; plus strand). Cytogenetic location: 8q11.21.
Variant type: single nucleotide variant.
Coding change: c.8649C>G on transcript NM_006904.7 (MANE Select); coding-DNA position 8649, C replaced by G.
Protein change: p.Ser2883Arg; replaces serine 2883 with arginine.
Molecular consequence: missense variant.
Genome position (GRCh38, 1-based): chr8:47,826,790, G>C on the plus strand (C>G on the coding strand, the complement: PRKDC is on the minus strand). VCF-style: chr8-47826790-G-C. GRCh37 (hg19) VCF-style: chr8-48739351-G-C.
Other names: c.8649C>G, p.Ser2883Arg (NM_001081640.2); short protein forms S2883R.
Identifiers: ClinVar variation 2282045 (VCV002282045.2), dbSNP rs2551866147, ClinGen allele CA371143972.